The following is an entry in ClinVar:

NM_178170.3(NEK8):c.512C>T (p.Ser171Phe)

Gene: NEK8 (NIMA related kinase 8; plus strand). Cytogenetic location: 17q11.2.
Variant type: single nucleotide variant.
Coding change: c.512C>T on transcript NM_178170.3 (MANE Select); coding-DNA position 512, C replaced by T.
Protein change: p.Ser171Phe; replaces serine 171 with phenylalanine.
Molecular consequence: missense variant.
Genome position (GRCh38, 1-based): chr17:28,735,265, C>T. VCF-style: chr17-28735265-C-T. GRCh37 (hg19) VCF-style: chr17-27062283-C-T.
Other names: short protein forms S171F.
Identifiers: ClinVar variation 4849528 (VCV004849528.1).

ClinVar aggregate classification (germline): Uncertain significance (1 of 4 stars; one submission).

Conditions:
Unexplained young onset end-stage renal disease.

Submission:

Genetics Laboratory, Great Ormond Street Hospital NHS Foundation Trust, North Thames Genomic Laboratory Hub
Classification: Uncertain significance for Unexplained young onset end-stage renal disease. Last evaluated: 2026-03-03. Review status: criteria provided, single submitter. Criteria: ACGS Best Practice Guidelines for Variant Classification in Rare Disease 2024 v1.2. Collection method: clinical testing. Allele origin: germline. Affected: yes.
Comment: PM2_moderate, PP3_supporting, PP2_supporting